The following is an entry in ClinVar:

ClinVar aggregate classification (germline): Uncertain significance (1 of 4 stars; one submission).

Conditions:
Hereditary cancer-predisposing syndrome. Also called: Neoplastic Syndromes, Hereditary; Tumor predisposition; Hereditary neoplastic syndrome; Hereditary Cancer Syndrome. Identifiers: Orphanet 140162, MedGen C0027672, MeSH D009386, MONDO:0015356.
Cardiovascular phenotype. Identifiers: MedGen CN230736.

gnomAD v4.1: 1 of 1,597,580 alleles (0.000063%); highest among the groups gnomAD compares: Non-Finnish European, 0.000085%; no homozygotes.

Submission:

Ambry Genetics
Classification: Uncertain significance for Cardiovascular phenotype; Hereditary cancer-predisposing syndrome. Last evaluated: 2023-03-14. Review status: criteria provided, single submitter. Criteria: Ambry Variant Classification Scheme 2023. Collection method: clinical testing. Allele origin: germline.
Comment: The p.P2380L variant (also known as c.7139C>T), located in coding exon 48 of the NF1 gene, results from a C to T substitution at nucleotide position 7139. The proline at codon 2380 is replaced by leucine, an amino acid with similar properties. This amino acid position is conserved. In addition, the in silico prediction for this alteration is inconclusive. Since supporting evidence is limited at this time, the clinical significance of this alteration remains unclear.

NM_001042492.3(NF1):c.7202C>T (p.Pro2401Leu)

Gene: NF1 (neurofibromin 1; plus strand). Cytogenetic location: 17q11.2.
Variant type: single nucleotide variant.
Coding change: c.7202C>T on transcript NM_001042492.3 (MANE Select); coding-DNA position 7202, C replaced by T.
Protein change: p.Pro2401Leu; replaces proline 2401 with leucine.
Molecular consequence: missense variant.
Genome position (GRCh38, 1-based): chr17:31,349,132, C>T. VCF-style: chr17-31349132-C-T. GRCh37 (hg19) VCF-style: chr17-29676150-C-T.
Other names: c.7139C>T, p.Pro2380Leu (NM_000267.4); short protein forms P2380L, P2401L.
Identifiers: ClinVar variation 2452330 (VCV002452330.2), dbSNP rs2508800677, ClinGen allele CA399016680.
Genomic context (GRCh38, chr17:31,349,132, plus strand): 5'-AAAATTAATTCTTACTTGTTTGTTTGTTTGTTTGTTTGTTTTTTGTAGGGTACAGGCATC[C>T]TTCACCTGCTATTGTTGCAAGAACAGTCAGAATTTTACATACACTACTAACTCTGGTTAA-3'
Protein context (NP_001035957.1, residues 2391-2411): VGHLLKGYRH[Pro2401Leu]SPAIVARTVR